The following is an entry in ClinVar:

NM_022437.3(ABCG8):c.1615G>T (p.Val539Phe)

Gene: ABCG8 (ATP binding cassette subfamily G member 8; plus strand). Cytogenetic location: 2p21.
Variant type: single nucleotide variant.
Coding change: c.1615G>T on transcript NM_022437.3 (MANE Select); coding-DNA position 1615, G replaced by T.
Protein change: p.Val539Phe; replaces valine 539 with phenylalanine.
Molecular consequence: missense variant.
Genome position (GRCh38, 1-based): chr2:43,875,272, G>T. VCF-style: chr2-43875272-G-T. GRCh37 (hg19) VCF-style: chr2-44102411-G-T.
Other names: c.1612G>T, p.Val538Phe (NM_001357321.2); short protein forms V539F, V538F.
Identifiers: ClinVar variation 4824219 (VCV004824219.1).
Genomic context (GRCh38, chr2:43,875,272, plus strand): 5'-GCCAACCTGAGGCCAGGCCTCCAGCCCTTCCTGCTGCACTTCCTGCTGGTGTGGCTGGTG[G>T]TCTTCTGTTGCAGGATTATGGCCCTGGCCGCCGCGGCCCTGCTCCCCACCTTCCACATGG-3'
Protein context (NP_071882.1, residues 529-549): LLHFLLVWLV[Val539Phe]FCCRIMALAA

ClinVar aggregate classification (germline): Uncertain significance (1 of 4 stars; one submission).

Conditions:
Cardiovascular phenotype. Identifiers: MedGen CN230736.

Submission:

Ambry Genetics
Classification: Uncertain significance for Cardiovascular phenotype. Last evaluated: 2026-01-25. Review status: criteria provided, single submitter. Criteria: Ambry Variant Classification Scheme 2023. Collection method: clinical testing. Allele origin: germline.
Comment: The p.V539F variant (also known as c.1615G>T), located in coding exon 11 of the ABCG8 gene, results from a G to T substitution at nucleotide position 1615. The valine at codon 539 is replaced by phenylalanine, an amino acid with highly similar properties. This amino acid position is conserved. In addition, the in silico prediction for this alteration is inconclusive. Based on the available evidence, the clinical significance of this variant remains unclear.